The following is an entry in ClinVar:

NM_001190274.2(FBXO11):c.500TCT[1] (p.Phe168del)

Gene: FBXO11 (F-box protein 11; minus strand). Cytogenetic location: 2p16.3.
Variant type: Microsatellite.
Coding change: c.500TCT[1] on transcript NM_001190274.2 (MANE Select); one copy of the 3-base unit TCT starting at c.500; the reference has two copies in a row; one copy, 3 bases deleted; also written c.503_505del.
Protein change: p.Phe168del; deletes phenylalanine 168.
Molecular consequence: inframe deletion.
Genome position (GRCh38, 1-based): chr2:47,838,941-47,838,943, AGA deleted on the plus strand (TCT on the coding strand, the reverse complement: FBXO11 is on the minus strand); deleting any 3 consecutive bases within chr2:47,838,941-47,838,946 gives the same sequence; the position shown is the placement nearest the transcript's 3' end. VCF-style (leftmost placement, unchanged base first): chr2-47838940-GAGA-G. GRCh37 (hg19) VCF-style: chr2-48066079-GAGA-G.
Other names: c.502_504del (NM_001190274.2); c.503_505del (NM_001190274.1); c.248TCT[1], p.Phe84del (NM_001374325.1, NM_025133.4); short protein forms F168del, F84del.
Identifiers: ClinVar variation 1329869 (VCV001329869.2), dbSNP rs2104856413, ClinGen allele CA2580611634.

ClinVar aggregate classification (germline): Pathogenic. Review status: criteria provided, multiple submitters, no conflicts (2 of 4 stars). 2 submissions from 2 submitters: Pathogenic (2). Last evaluated 2022-09-28.

Conditions:
Intellectual developmental disorder with dysmorphic facies and behavioral abnormalities. Identifiers: MedGen C4748135, MONDO:0060760, OMIM 618089.

Submissions (2):

GeneDx
Classification: Pathogenic. Last evaluated: 2022-09-28. Review status: criteria provided, single submitter. Criteria: GeneDx Variant Classification Process June 2021. Collection method: clinical testing. Allele origin: germline. Affected: yes.
Comment: Not observed at significant frequency in large population cohorts (gnomAD); In-frame deletion of 1 amino acid in a non-repeat region; In silico analysis supports a deleterious effect on protein structure/function; This variant is associated with the following publications: (PMID: 34505148)

Institute of Human Genetics, University of Leipzig Medical Center
Classification: Pathogenic for Intellectual developmental disorder with dysmorphic facies and behavioral abnormalities. Last evaluated: 2021-12-21. Review status: criteria provided, single submitter. Criteria: ACMG Guidelines, 2015. Collection method: research. Allele origin: de novo. Affected: yes.

Literature cited by the submitters: PubMed 34505148 (cited by Institute of Human Genetics, University of Leipzig Medical Center).